The following is an entry in ClinVar:

ClinVar aggregate classification (germline): Uncertain significance (1 of 4 stars; one submission).

Allele frequency attached by ClinVar (database versions not stated): ExAC 0.00001.
gnomAD v4.1: 12 of 1,614,168 alleles (0.00074%); highest among the groups gnomAD compares: South Asian, 0.013%; no homozygotes.

Submission:

Labcorp Genetics (formerly Invitae), Labcorp
Classification: Uncertain significance. Last evaluated: 2025-08-04. Review status: criteria provided, single submitter. Criteria: Invitae Variant Classification Sherloc (09022015). Collection method: clinical testing. Allele origin: germline.
Comment: This sequence change replaces tryptophan, which is neutral and slightly polar, with glycine, which is neutral and non-polar, at codon 229 of the RUSC2 protein (p.Trp229Gly). This variant is present in population databases (rs746193398, gnomAD 0.01%). This variant has not been reported in the literature in individuals affected with RUSC2-related conditions. ClinVar contains an entry for this variant (Variation ID: 1518851). An algorithm developed to predict the effect of missense changes on protein structure and function (PolyPhen-2) suggests that this variant is likely to be disruptive. In summary, the available evidence is currently insufficient to determine the role of this variant in disease. Therefore, it has been classified as a Variant of Uncertain Significance.

NM_014806.5(RUSC2):c.685T>G (p.Trp229Gly)

Gene: RUSC2 (RUN and SH3 domain containing 2; plus strand). Cytogenetic location: 9p13.3.
Variant type: single nucleotide variant.
Coding change: c.685T>G on transcript NM_014806.5 (MANE Select); coding-DNA position 685, T replaced by G.
Protein change: p.Trp229Gly; replaces tryptophan 229 with glycine.
Molecular consequence: missense variant. On other transcripts: non-coding transcript variant (1), intron variant (1).
Genome position (GRCh38, 1-based): chr9:35,547,206, T>G. VCF-style: chr9-35547206-T-G. GRCh37 (hg19) VCF-style: chr9-35547203-T-G.
Other names: c.685T>G, p.Trp229Gly (NM_001135999.2); c.-620-7854T>G (NM_001330740.2); short protein forms W229G.
Identifiers: ClinVar variation 1518851 (VCV001518851.8), dbSNP rs746193398, ClinGen allele CA5043513.